The following is an entry in ClinVar:

NM_000883.4(IMPDH1):c.1654G>A (p.Gly552Ser)

Gene: IMPDH1 (inosine monophosphate dehydrogenase 1; minus strand). Cytogenetic location: 7q32.1.
Variant type: single nucleotide variant.
Coding change: c.1654G>A on transcript NM_000883.4 (MANE Select); coding-DNA position 1654, G replaced by A.
Protein change: p.Gly552Ser; replaces glycine 552 with serine.
Molecular consequence: missense variant.
Genome position (GRCh38, 1-based): chr7:128,394,496, C>T on the plus strand (G>A on the coding strand, the complement: IMPDH1 is on the minus strand). VCF-style: chr7-128394496-C-T. GRCh37 (hg19) VCF-style: chr7-128034550-C-T.
Other names: c.1624G>A, p.Gly542Ser (NM_001102605.2); c.1399G>A, p.Gly467Ser (NM_001142573.2); c.1384G>A, p.Gly462Ser (NM_001142574.2); c.1324G>A, p.Gly442Ser (NM_001142575.2); c.1555G>A, p.Gly519Ser (NM_001142576.2); c.1447G>A, p.Gly483Ser (NM_001304521.2); c.1546G>A, p.Gly516Ser (NM_183243.3); c.1654G>A (NM_000883.3); short protein forms G442S, G462S, G467S, G483S, G516S, G519S, G542S, G552S.
Identifiers: ClinVar variation 811869 (VCV000811869.16), dbSNP rs149762411, ClinGen allele CA4470764.
Genomic context (GRCh38, chr7:128,394,496, plus strand): 5'-CCCCCAGTCTCAGCACTCACCGAAGGACAGACAGGCTGCGGGCCCCGATATCCTGGCAGC[C>T]GTGTTGGATGCCTGCTATGAGGTAGGGCACGAACTTCTGAATGGATCCTTTGTCCTGGAT-3'
Protein context (NP_000874.2, residues 542-562): VPYLIAGIQH[Gly552Ser]CQDIGARSLS

ClinVar aggregate classification (germline): Uncertain significance. Review status: criteria provided, multiple submitters, no conflicts (2 of 4 stars). 4 submissions from 4 submitters: Uncertain significance (4). Last evaluated 2025-02-07.

Conditions:
IMPDH1-related disorder. Also called: IMPDH1-related condition; IMPDH1-related disorders.
Inborn genetic diseases. Identifiers: MedGen C0950123, MeSH D030342.

Allele frequency attached by ClinVar (database versions not stated): TOPMed 0.00003; gnomAD 0.00004; ESP Exome Variant Server 0.00015.

Submissions (4):

PreventionGenetics, part of Exact Sciences
Classification: Uncertain significance for IMPDH1-related condition. Last evaluated: 2025-02-07. Review status: criteria provided, single submitter. Criteria: ACMG Guidelines, 2015. Collection method: clinical testing. Allele origin: germline.
Comment: The IMPDH1 c.1654G>A variant is predicted to result in the amino acid substitution p.Gly552Ser. To our knowledge, this variant has not been reported in the literature. This variant is present in 0.0044% of alleles in individuals of European (Non-Finnish) descent in gnomAD. At this time, the clinical significance of this variant is uncertain due to the absence of conclusive functional and genetic evidence.

Labcorp Genetics (formerly Invitae), Labcorp
Classification: Uncertain significance. Last evaluated: 2023-05-12. Review status: criteria provided, single submitter. Criteria: Invitae Variant Classification Sherloc (09022015). Collection method: clinical testing. Allele origin: germline.
Comment: This sequence change replaces glycine, which is neutral and non-polar, with serine, which is neutral and polar, at codon 552 of the IMPDH1 protein (p.Gly552Ser). This variant is present in population databases (rs149762411, gnomAD 0.004%). This variant has not been reported in the literature in individuals affected with IMPDH1-related conditions. ClinVar contains an entry for this variant (Variation ID: 811869). An algorithm developed to predict the effect of missense changes on protein structure and function (PolyPhen-2) suggests that this variant is likely to be tolerated. In summary, the available evidence is currently insufficient to determine the role of this variant in disease. Therefore, it has been classified as a Variant of Uncertain Significance.

Ambry Genetics
Classification: Uncertain significance for Inborn genetic diseases. Last evaluated: 2021-08-10. Review status: criteria provided, single submitter. Criteria: Ambry Variant Classification Scheme 2023. Collection method: clinical testing. Allele origin: germline.

ARUP Laboratories, Molecular Genetics and Genomics, ARUP Laboratories
Classification: Uncertain significance. Last evaluated: 2019-01-24. Review status: criteria provided, single submitter. Criteria: ARUP Molecular Germline Variant Investigation Process. Collection method: clinical testing. Allele origin: germline.
Comment: The IMPDH1 c.1654G>A; p.Gly552Ser variant (rs149762411), to our knowledge, is not reported in the medical literature or gene-specific databases. The variant is found in the general population with an overall allele frequency of 0.003% (7/251338 alleles) in the Genome Aggregation Database. The glycine at this position is highly conserved but computational algorithms (SIFT, AlignGVGD) predict this variant is tolerated. Due to limited information, the clinical significance of the variant is uncertain at this time.